The following is an entry in ClinVar:

ClinVar aggregate classification (germline): Uncertain significance (1 of 4 stars; one submission).

Submission:

GeneDx
Classification: Uncertain significance. Last evaluated: 2026-01-15. Review status: criteria provided, single submitter. Criteria: GeneDx Variant Classification Process June 2021. Collection method: clinical testing. Allele origin: germline. Affected: yes.
Comment: Not observed at significant frequency in large population cohorts (gnomAD); In silico analysis supports that this missense variant has a deleterious effect on protein structure/function; Has not been previously published as pathogenic or benign to our knowledge

NM_001127222.2(CACNA1A):c.5429T>C (p.Met1810Thr)

Gene: CACNA1A (calcium voltage-gated channel subunit alpha1 A; minus strand). Cytogenetic location: 19p13.13.
Variant type: single nucleotide variant.
Coding change: c.5429T>C on transcript NM_001127222.2 (MANE Select); coding-DNA position 5429, T replaced by C.
Protein change: p.Met1810Thr; replaces methionine 1810 with threonine.
Molecular consequence: missense variant.
Genome position (GRCh38, 1-based): chr19:13,230,181, A>G on the plus strand (T>C on the coding strand, the complement: CACNA1A is on the minus strand). VCF-style: chr19-13230181-A-G. GRCh37 (hg19) VCF-style: chr19-13340995-A-G.
Other names: c.5438T>C, p.Met1813Thr (NM_001174080.2); c.5447T>C, p.Met1816Thr (NM_023035.3, NM_000068.4); c.5432T>C, p.Met1811Thr (NM_001127221.2); short protein forms M1811T, M1813T, M1810T, M1816T.
Identifiers: ClinVar variation 3393898 (VCV003393898.2).